The following is an entry in ClinVar:

NM_000368.5(TSC1):c.1781T>A (p.Val594Glu)

Gene: TSC1 (TSC complex subunit 1; minus strand). Cytogenetic location: 9q34.13.
Variant type: single nucleotide variant.
Coding change: c.1781T>A on transcript NM_000368.5 (MANE Select); coding-DNA position 1781, T replaced by A.
Protein change: p.Val594Glu; replaces valine 594 with glutamic acid.
Molecular consequence: missense variant.
Genome position (GRCh38, 1-based): chr9:132,905,797, A>T on the plus strand (T>A on the coding strand, the complement: TSC1 is on the minus strand). VCF-style: chr9-132905797-A-T. GRCh37 (hg19) VCF-style: chr9-135781184-A-T.
Other names: c.1778T>A, p.Val593Glu (NM_001162426.2); c.1628T>A, p.Val543Glu (NM_001162427.2); c.1418T>A, p.Val473Glu (NM_001362177.2); short protein forms V594E, V593E, V473E, V543E.
Identifiers: ClinVar variation 411213 (VCV000411213.16), dbSNP rs1060503194, ClinGen allele CA16612455.

ClinVar aggregate classification (germline): Conflicting classifications of pathogenicity. Review status: criteria provided, conflicting classifications (1 of 4 stars). 4 submissions from 4 submitters: Uncertain significance (3); Likely benign (1). Last evaluated 2025-10-06.

Conditions:
Tuberous sclerosis 1 (TSC1). Identifiers: Orphanet 805, MedGen C1854465, MONDO:0008612, OMIM 191100.
Hereditary cancer-predisposing syndrome. Also called: Hereditary neoplastic syndrome; Neoplastic Syndromes, Hereditary; Tumor predisposition; Hereditary Cancer Syndrome. Identifiers: Orphanet 140162, MedGen C0027672, MeSH D009386, MONDO:0015356.
Lymphangiomyomatosis (LAM). Also called: Lymphangioleiomyomatosis; Lymphangioleiomyomatosis, somatic. Identifiers: Orphanet 538, MedGen C0751674, MONDO:0011705, OMIM 606690.
Isolated focal cortical dysplasia type II (FCORD2). Also called: CORTICAL DYSPLASIA OF TAYLOR; Focal cortical dysplasia type II. Identifiers: Orphanet 268994, MedGen C1846385, MONDO:0011818, OMIM 607341, HP:0032051.

Allele frequency attached by ClinVar (database versions not stated): gnomAD exomes below 0.00001; TOPMed below 0.00001.
gnomAD v4.1: 4 of 1,614,122 alleles (0.00025%); highest among the groups gnomAD compares: Non-Finnish European, 0.00034%; no homozygotes.

Submissions (4):

Labcorp Genetics (formerly Invitae), Labcorp
Classification: Uncertain significance for Tuberous sclerosis 1. Last evaluated: 2025-10-06. Review status: criteria provided, single submitter. Criteria: Invitae Variant Classification Sherloc (09022015). Collection method: clinical testing. Allele origin: germline.
Comment: This sequence change replaces valine, which is neutral and non-polar, with glutamic acid, which is acidic and polar, at codon 594 of the TSC1 protein (p.Val594Glu). This variant is not present in population databases (gnomAD no frequency). This variant has not been reported in the literature in individuals affected with TSC1-related conditions. ClinVar contains an entry for this variant (Variation ID: 411213). Invitae Evidence Modeling of protein sequence and biophysical properties (such as structural, functional, and spatial information, amino acid conservation, physicochemical variation, residue mobility, and thermodynamic stability) indicates that this missense variant is not expected to disrupt TSC1 protein function with a negative predictive value of 95%. In summary, the available evidence is currently insufficient to determine the role of this variant in disease. Therefore, it has been classified as a Variant of Uncertain Significance.

Ambry Genetics
Classification: Likely benign for Hereditary cancer-predisposing syndrome. Last evaluated: 2024-02-28. Review status: criteria provided, single submitter. Criteria: Ambry Variant Classification Scheme 2023. Collection method: clinical testing. Allele origin: germline.

Fulgent Genetics
Classification: Uncertain significance for Tuberous sclerosis 1; Lymphangiomyomatosis; Isolated focal cortical dysplasia type II. Last evaluated: 2022-05-11. Review status: criteria provided, single submitter. Criteria: ACMG Guidelines, 2015. Collection method: clinical testing. Allele origin: unknown.

Genome-Nilou Lab
Classification: Uncertain significance for Tuberous sclerosis 1. Last evaluated: 2021-11-07. Review status: criteria provided, single submitter. Criteria: ACMG Guidelines, 2015. Collection method: clinical testing. Allele origin: germline. Affected: no.